The following is an entry in ClinVar:

ClinVar aggregate classification (germline): Uncertain significance (1 of 4 stars; one submission).

Submission:

Labcorp Genetics (formerly Invitae), Labcorp
Classification: Uncertain significance. Last evaluated: 2025-10-14. Review status: criteria provided, single submitter. Criteria: Invitae Variant Classification Sherloc (09022015). Collection method: clinical testing. Allele origin: germline.
Comment: This sequence change replaces proline, which is neutral and non-polar, with threonine, which is neutral and polar, at codon 1532 of the SETBP1 protein (p.Pro1532Thr). Information on the frequency of this variant in the gnomAD database is not available, as this variant may be reported differently in the database. This variant has not been reported in the literature in individuals affected with SETBP1-related conditions. Experimental studies and prediction algorithms are not available or were not evaluated, and the functional significance of this variant is currently unknown. In summary, the available evidence is currently insufficient to determine the role of this variant in disease. Therefore, it has been classified as a Variant of Uncertain Significance.

NM_015559.3(SETBP1):c.4593_4594delinsAA (p.Pro1532Thr)

Gene: SETBP1 (SET binding protein 1; plus strand). Cytogenetic location: 18q12.3.
Variant type: Indel.
Coding change: c.4593_4594delinsAA on transcript NM_015559.3 (MANE Select); coding-DNA positions 4593 to 4594, GC replaced by AA.
Protein change: p.Pro1532Thr; replaces proline 1532 with threonine.
Molecular consequence: missense variant.
Genome position (GRCh38, 1-based): chr18:45,063,500-45,063,501, GC replaced by AA. VCF-style: chr18-45063500-GC-AA. GRCh37 (hg19) VCF-style: chr18-42643465-GC-AA.
Other names: c.4593_4594delinsAA, p.Pro1532Thr (NM_001379141.1, NM_001379142.1); c.4422_4423delinsAA, p.Pro1475Thr (NM_001410862.1); short protein forms P1475T, P1532T.
Identifiers: ClinVar variation 4810835 (VCV004810835.1).